The following is an entry in ClinVar:

ClinVar aggregate classification (germline): Uncertain significance (1 of 4 stars; one submission).

Conditions:
COG7 congenital disorder of glycosylation (CDG2E). Also called: CONGENITAL DISORDER OF GLYCOSYLATION, TYPE IIe; CDG IIe. Identifiers: Orphanet 79333, MedGen C2931010, MONDO:0012118, OMIM 608779.

Allele frequency attached by ClinVar (database versions not stated): gnomAD exomes 0.00001.
gnomAD v4.1: 4 of 1,613,946 alleles (0.00025%); highest among the groups gnomAD compares: Non-Finnish European, 0.00034%; no homozygotes.

Submission:

Labcorp Genetics (formerly Invitae), Labcorp
Classification: Uncertain significance for COG7 congenital disorder of glycosylation. Last evaluated: 2022-08-13. Review status: criteria provided, single submitter. Criteria: Invitae Variant Classification Sherloc (09022015). Collection method: clinical testing. Allele origin: germline.
Comment: In summary, the available evidence is currently insufficient to determine the role of this variant in disease. Therefore, it has been classified as a Variant of Uncertain Significance. Algorithms developed to predict the effect of missense changes on protein structure and function are either unavailable or do not agree on the potential impact of this missense change (SIFT: "Tolerated"; PolyPhen-2: "Probably Damaging"; Align-GVGD: "Class C0"). This variant has not been reported in the literature in individuals affected with COG7-related conditions. This variant is not present in population databases (gnomAD no frequency). This sequence change replaces lysine, which is basic and polar, with glutamic acid, which is acidic and polar, at codon 660 of the COG7 protein (p.Lys660Glu).

NM_153603.4(COG7):c.1978A>G (p.Lys660Glu)

Gene: COG7 (component of oligomeric golgi complex 7; minus strand). Cytogenetic location: 16p12.2.
Variant type: single nucleotide variant.
Coding change: c.1978A>G on transcript NM_153603.4 (MANE Select); coding-DNA position 1978, A replaced by G.
Protein change: p.Lys660Glu; replaces lysine 660 with glutamic acid.
Molecular consequence: missense variant.
Genome position (GRCh38, 1-based): chr16:23,393,257, T>C on the plus strand (A>G on the coding strand, the complement: COG7 is on the minus strand). VCF-style: chr16-23393257-T-C. GRCh37 (hg19) VCF-style: chr16-23404578-T-C.
Other names: short protein forms K660E.
Identifiers: ClinVar variation 1716385 (VCV001716385.5), dbSNP rs2506544160, ClinGen allele CA395116727.